The following is an entry in ClinVar:

NM_014363.6(SACS):c.12025G>A (p.Glu4009Lys)

Gene: SACS (sacsin molecular chaperone; minus strand). Cytogenetic location: 13q12.12.
Variant type: single nucleotide variant.
Coding change: c.12025G>A on transcript NM_014363.6 (MANE Select); coding-DNA position 12025, G replaced by A.
Protein change: p.Glu4009Lys; replaces glutamic acid 4009 with lysine.
Molecular consequence: missense variant.
Genome position (GRCh38, 1-based): chr13:23,331,851, C>T on the plus strand (G>A on the coding strand, the complement: SACS is on the minus strand). VCF-style: chr13-23331851-C-T. GRCh37 (hg19) VCF-style: chr13-23905990-C-T.
Other names: c.12025G>A (NM_014363.4); c.11584G>A, p.Glu3862Lys (NM_001278055.2); short protein forms E3862K, E4009K.
Identifiers: ClinVar variation 1415767 (VCV001415767.4), dbSNP rs990358595, ClinGen allele CA246651019.

ClinVar aggregate classification (germline): Uncertain significance. Review status: criteria provided, multiple submitters, no conflicts (2 of 4 stars). 2 submissions from 2 submitters: Uncertain significance (2). Last evaluated 2025-06-12.

Conditions:
Spastic paraplegia. Identifiers: MedGen C0037772, HP:0001258.

Allele frequency attached by ClinVar (database versions not stated): TOPMed 0.00002.
gnomAD v4.1: 2 of 1,614,010 alleles (0.00012%); highest among the groups gnomAD compares: Admixed American, 0.0017%; no homozygotes.

Submissions (2):

Athena Diagnostics
Classification: Uncertain significance. Last evaluated: 2025-06-12. Review status: criteria provided, single submitter. Criteria: Athena Diagnostics Criteria. Collection method: clinical testing. Allele origin: unknown.
Comment: Available data are insufficient to determine the clinical significance of the variant at this time. The frequency of this variant in the general population is uninformative in assessment of its pathogenicity. Polyphen and MutationTaster predict this amino acid change may be damaging to the protein.

Labcorp Genetics (formerly Invitae), Labcorp
Classification: Uncertain significance for Spastic paraplegia. Last evaluated: 2021-11-26. Review status: criteria provided, single submitter. Criteria: Invitae Variant Classification Sherloc (09022015). Collection method: clinical testing. Allele origin: germline.
Comment: This sequence change replaces glutamic acid, which is acidic and polar, with lysine, which is basic and polar, at codon 4009 of the SACS protein (p.Glu4009Lys). This variant is present in population databases (no rsID available, gnomAD 0.003%). This variant has not been reported in the literature in individuals affected with SACS-related conditions. Advanced modeling of protein sequence and biophysical properties (such as structural, functional, and spatial information, amino acid conservation, physicochemical variation, residue mobility, and thermodynamic stability) performed at Invitae indicates that this missense variant is not expected to disrupt SACS protein function. In summary, the available evidence is currently insufficient to determine the role of this variant in disease. Therefore, it has been classified as a Variant of Uncertain Significance.